The following is an entry in ClinVar:

NM_000402.4(G6PD):c.233T>C (p.Ile78Thr)

Gene: G6PD (glucose-6-phosphate dehydrogenase; minus strand). Cytogenetic location: Xq28.
Variant type: single nucleotide variant.
Coding change: c.233T>C on transcript NM_000402.4; coding-DNA position 233, T replaced by C.
Protein change: p.Ile78Thr; replaces isoleucine 78 with threonine.
Molecular consequence: missense variant.
Genome position (GRCh38, 1-based): chrX:154,536,156, A>G on the plus strand (T>C on the coding strand, the complement: G6PD is on the minus strand). VCF-style: chrX-154536156-A-G. GRCh37 (hg19) VCF-style: chrX-153764371-A-G.
Other names: G6PD, ILE48THR; G6PD Aures; p.Ile48Thr; c.143T>C, p.Ile48Thr (NM_001042351.3, NM_001360016.2); short protein forms I48T, I78T.
Identifiers: ClinVar variation 10402 (VCV000010402.50), dbSNP rs76645461, ClinGen allele CA121021.

ClinVar aggregate classification (germline): Pathogenic/Likely pathogenic. Review status: criteria provided, multiple submitters, no conflicts (2 of 4 stars). 20 submissions from 19 submitters: Pathogenic (15); Likely pathogenic (2). 3 of the submissions do not count toward it. Last evaluated 2026-01-26.

Conditions:
G6PD-related disorders.
G6PD-related disorder. Also called: G6PD-related condition.
Malaria, susceptibility to. Identifiers: Orphanet 673, MedGen C1970028, MONDO:0021024, OMIM 611162.
Anemia, nonspherocytic hemolytic, due to G6PD deficiency (CNSHA1). Also called: Class I glucose-6-phosphate dehydrogenase deficiency; ANEMIA, CONGENITAL, NONSPHEROCYTIC HEMOLYTIC, 1; Hemolytic anemia due to G6PD deficiency; Favism, susceptibility to. Identifiers: Orphanet 466026, MedGen C2720289, MONDO:0010480, OMIM 300908.
G6PD deficiency. Also called: G6PD A-. Identifiers: MedGen C2939465, MONDO:0005775.
G6PD AURES.

Allele frequency attached by ClinVar (database versions not stated): 1000 Genomes Project 0.00026; 1000 Genomes Project 30x 0.00021; ExAC 0.00001; TOPMed 0.00002; gnomAD 0.00001; gnomAD exomes 0.00001.
gnomAD v4.1: 17 of 1,209,926 alleles (0.0014%); highest among the groups gnomAD compares: Middle Eastern, 0.23%; no homozygotes.

Submissions 1 to 12 of 20:

Labcorp Genetics (formerly Invitae), Labcorp
Classification: Pathogenic for Anemia, nonspherocytic hemolytic, due to G6PD deficiency. Last evaluated: 2026-01-26. Review status: criteria provided, single submitter. Criteria: Invitae Variant Classification Sherloc (09022015). Collection method: clinical testing. Allele origin: germline.
Comment: This sequence change replaces isoleucine, which is neutral and non-polar, with threonine, which is neutral and polar, at codon 48 of the G6PD protein (p.Ile48Thr). This variant is present in population databases (rs76645461, gnomAD 0.02%). This missense change has been observed in individuals with glucose-6-phosphate dehydrogenase (G6PD) deficiency (PMID: 8490627, 16119988, 22018328, 22963789). This variant is also known as the Aures variant. ClinVar contains an entry for this variant (Variation ID: 10402). Invitae Evidence Modeling of protein sequence and biophysical properties (such as structural, functional, and spatial information, amino acid conservation, physicochemical variation, residue mobility, and thermodynamic stability) has been performed for this missense variant. However, the output from this modeling did not meet the statistical confidence thresholds required to predict the impact of this variant on G6PD protein function. Experimental studies have shown that this missense change affects G6PD function (PMID: 8490627, 22963789). For these reasons, this variant has been classified as Pathogenic.

3billion
Classification: Likely pathogenic for Anemia, nonspherocytic hemolytic, due to G6PD deficiency. Last evaluated: 2025-12-02. Review status: criteria provided, single submitter. Criteria: ACMG Guidelines, 2015. Collection method: clinical testing. Allele origin: germline. Affected: yes.
Comment: The variant is observed at an extremely low frequency in the gnomAD v4.1.0 dataset (total allele frequency: 0.001%). Predicted Consequence/Location: Missense variant. Missense changes are a common disease-causing mechanism. In silico tool predictions suggest damaging effect of the variant on gene or gene product [REVEL: 0.80 (>=0.6, sensitivity 0.68 and specificity 0.92); 3Cnet: 0.99 (> 0.75, sensitivity 0.96 and precision 0.92)]. The same nucleotide change resulting in the same amino acid change has been previously reported as pathogenic/likely pathogenic with strong evidence (ClinVar ID: VCV000010402 /PMID: 8490627 /3billion dataset). Therefore, this variant is classified as Likely pathogenic according to the recommendation of ACMG/AMP guideline.

GeneDx
Classification: Pathogenic. Last evaluated: 2025-04-16. Review status: criteria provided, single submitter. Criteria: GeneDx Variant Classification Process June 2021. Collection method: clinical testing. Allele origin: germline. Affected: yes.
Comment: In silico analysis supports that this missense variant has a deleterious effect on protein structure/function; This variant is associated with the following publications: (PMID: 8787363, 12972027, 8860007, 16119988, 22963789, 21931771, 27884173, 8490627, 34272389, 31589614, 37644014, 37967096, 36681081, 36212142, 28902532, 23006493, 22018328, 27853304, 20236109)

Revvity Omics, Revvity
Classification: Likely pathogenic for Anemia, nonspherocytic hemolytic, due to G6PD deficiency. Last evaluated: 2024-12-19. Review status: criteria provided, single submitter. Criteria: ACMG Guidelines, 2015. Collection method: clinical testing. Allele origin: germline.

ARUP Laboratories, Molecular Genetics and Genomics, ARUP Laboratories
Classification: Pathogenic. Last evaluated: 2024-07-23. Review status: criteria provided, single submitter. Criteria: ARUP Molecular Germline Variant Investigation Process 2024. Collection method: clinical testing. Allele origin: germline.
Comment: The G6PD c.143T>C; p.Ile48Thr variant (rs76645461; ClinVar Variation ID: 10402), also known as G6PD Aures, is reported in the literature in multiple individuals affected with G6PD deficiency (Alfadhli 2005, Al-Jaouni 2011, Benmansour 2013, Nafa 1993). Individuals with this variant have reduced G6PD enzyme activity and is classified as a WHO Class III variant (Benmansour 2013). This variant is only observed on two alleles in the Genome Aggregation Database (v2.1.1), indicating it is not a common polymorphism. Computational analyses predict that this variant is deleterious (REVEL: 0.8). Based on available information, this variant is considered to be pathogenic. References: Alfadhli S et al. Molecular characterization of glucose-6-phosphate dehydrogenase gene defect in the Kuwaiti population. Arch Pathol Lab Med. 2005 Sep;129(9):1144-7. PMID: 16119988. Al-Jaouni SK et al. Molecular characterization of glucose-6-phosphate dehydrogenase deficiency in Jeddah, Kingdom of Saudi Arabia. BMC Res Notes. 2011 Oct 24;4:436. PMID: 22018328. Benmansour I et al. Two new class III G6PD variants [G6PD Tunis (c.920A>C: p.307Gln>Pro) and G6PD Nefza (c.968T>C: p.323 Leu>Pro)] and overview of the spectrum of mutations in Tunisia. Blood Cells Mol Dis. 2013 Feb;50(2):110-4. PMID: 22963789. Nafa K et al. G6PD Aures: a new mutation (48 Ile-->Thr) causing mild G6PD deficiency is associated with favism. Hum Mol Genet. 1993 Jan;2(1):81-2. PMID: 8490627.

Fulgent Genetics
Classification: Pathogenic for Anemia, nonspherocytic hemolytic, due to G6PD deficiency; Malaria, susceptibility to. Last evaluated: 2024-06-03. Review status: criteria provided, single submitter. Criteria: ACMG Guidelines, 2015. Collection method: clinical testing. Allele origin: germline.

Women's Health and Genetics/Laboratory Corporation of America, LabCorp
Classification: Pathogenic for G6PD deficiency. Last evaluated: 2024-05-29. Review status: criteria provided, single submitter. Criteria: LabCorp Variant Classification Summary - May 2015. Collection method: clinical testing. Allele origin: germline.
Comment: Variant summary: G6PD c.233T>C (p.Ile78Thr) results in a non-conservative amino acid change located in the glucose-6-phosphate dehydrogenase, NAD-binding domain (IPR022674) of the encoded protein sequence. Four of five in-silico tools predict a damaging effect of the variant on protein function. The variant allele was found at a frequency of 1.1e-05 in 183351 control chromosomes. c.233T>C has been reported in the literature in the homozygous and hemizygous states in multiple individuals affected with Glucose 6 Phosphate Dehydrogenase Deficiency (e.g. Nafa_1993, Dallol_2012, Al-Jaouni_2011). These data indicate that the variant is very likely to be associated with disease. At least one publication reports experimental evidence that this variant results in 7% G6PD activity compared to WT in patient red blood cells (e.g. Nafa_1993). This variant is also known as c.143T>C(p.Ile48Thr) and G6PD Aures. The following publications have been ascertained in the context of this evaluation (PMID: 22018328, 23006493, 8490627). ClinVar contains an entry for this variant (Variation ID: 10402). Based on the evidence outlined above, the variant was classified as pathogenic.

New York Genome Center
Classification: Pathogenic for Anemia, nonspherocytic hemolytic, due to G6PD deficiency. Last evaluated: 2024-05-09. Review status: criteria provided, single submitter. Criteria: NYGC Assertion Criteria 2020. Collection method: clinical testing. Allele origin: inherited. Observed: 1 variant allele, 1 hemizygote.
Comment: The c.143T>C variant (also known as G6PD Aures) in G6PD has previously been reported in multiple individuals with G6PD deficiency [PMID:22018328,23006493,16119988,22963789], with anemia and favism [PMID:7577654,7959686,18226470,8490627], and it has been deposited in ClinVar [ClinVar ID:10402] as Pathogenic/Likely pathogenic by multiple submitters. The c.143T>C variant is observed in 17 alleles (0.00001405 minor allele frequency with 5 hemizygotes) in the gnomADv4.0.0 database with 0.002296 minor allele frequency in individuals of Middle Eastern ancestry. The c.143T>C variant in G6PD is located in exon 3 of this 13-exon gene and is predicted to replace an evolutionarily conserved isoleucine amino acid with threonine at position 48 (p.(Ile 48Thr)) in the NAD binding domain of the encoded protein. In silico predictions are in favor of damaging effect for the p.(Ile 48Thr) variant [REVEL = 0.8], and functional studies demonstrate decreased enzyme activity in red blood cells [PMID:23006493,7959686,18226470,8490627, 22963789]. Based on available evidence this maternally inherited c.143T>C p.(Ile 48Thr) variant identified in G6PD is classified as Pathogenic.

Baylor Genetics
Classification: Pathogenic for Malaria, susceptibility to. Last evaluated: 2024-03-20. Review status: criteria provided, single submitter. Criteria: ACMG Guidelines, 2015. Collection method: clinical testing. Allele origin: unknown.

Genomic Medicine Center of Excellence, King Faisal Specialist Hospital and Research Centre
Classification: Pathogenic for Anemia, nonspherocytic hemolytic, due to G6PD deficiency. Last evaluated: 2024-03-17. Review status: criteria provided, single submitter. Criteria: ACMG Guidelines, 2015. Collection method: research. Allele origin: germline.

Blueprint Genetics
Classification: Pathogenic for G6PD-related disorders. Last evaluated: 2023-10-04. Review status: criteria provided, single submitter. Criteria: ACMG Guidelines, 2015. Collection method: clinical testing. Allele origin: germline. Affected: yes. Observed: 5 variant alleles.

Mayo Clinic Laboratories, Mayo Clinic
Classification: Pathogenic. Last evaluated: 2023-07-26. Review status: criteria provided, single submitter. Criteria: ACMG Guidelines, 2015. Collection method: clinical testing. Allele origin: germline. Observed: 1 variant allele.
Comment: PP3, PP4, PM2_moderate, PS4_moderate